The following is an entry in ClinVar:

ClinVar aggregate classification (germline): Pathogenic (1 of 4 stars; one submission).

Submission:

Labcorp Genetics (formerly Invitae), Labcorp
Classification: Pathogenic. Last evaluated: 2024-02-16. Review status: criteria provided, single submitter. Criteria: Invitae Variant Classification Sherloc (09022015). Collection method: clinical testing. Allele origin: germline.
Comment: This sequence change creates a premature translational stop signal (p.Tyr382*) in the TG gene. It is expected to result in an absent or disrupted protein product. Loss-of-function variants in TG are known to be pathogenic (PMID: 19837936, 23164529). This variant is not present in population databases (gnomAD no frequency). This variant has not been reported in the literature in individuals affected with TG-related conditions. For these reasons, this variant has been classified as Pathogenic.

Literature cited by the submitters: PubMed 19837936; PubMed 23164529.

NM_003235.5(TG):c.1146C>G (p.Tyr382Ter)

Gene: TG (thyroglobulin; plus strand). Cytogenetic location: 8q24.22.
Variant type: single nucleotide variant.
Coding change: c.1146C>G on transcript NM_003235.5 (MANE Select); coding-DNA position 1146, C replaced by G.
Protein change: p.Tyr382Ter; replaces tyrosine 382 with a stop codon.
Molecular consequence: nonsense.
Genome position (GRCh38, 1-based): chr8:132,886,518, C>G. VCF-style: chr8-132886518-C-G. GRCh37 (hg19) VCF-style: chr8-133898763-C-G.
Other names: short protein forms Y382*.
Identifiers: ClinVar variation 3641227 (VCV003641227.2).